The following is an entry in ClinVar:

ClinVar aggregate classification (germline): Pathogenic (1 of 4 stars; one submission).

Conditions:
Nemaline myopathy 2 (NEM2). Also called: Nemaline myopathy 2, autosomal recessive. Identifiers: MedGen C1850569, MONDO:0009725, OMIM 256030.

Submission:

Myriad Genetics, Inc.
Classification: Pathogenic for Nemaline myopathy 2. Last evaluated: 2023-08-21. Review status: criteria provided, single submitter. Criteria: Myriad Autosomal Dominant, Autosomal Recessive and X-Linked Classification Criteria (2023). Collection method: clinical testing. Allele origin: unknown.
Comment: NM_001271208.1(NEB):c.6201_6202del2ins15(Y2068Cfs*6) is expected to be pathogenic in the context of NEB-related nemaline myopathy. This variant is predicted to lead to an abnormal or absent protein product due to the creation of a premature termination codon in NEB, a gene where loss-of-function variants are known to be pathogenic. Please note: this variant was assessed in the context of healthy population screening.

NM_001164508.2(NEB):c.6201_6202delinsCTGTCTCTTATACAC (p.Tyr2068fs)

Gene: NEB (nebulin; minus strand). Cytogenetic location: 2q23.3.
Variant type: Indel.
Coding change: c.6201_6202delinsCTGTCTCTTATACAC on transcript NM_001164508.2 (MANE Select); coding-DNA positions 6201 to 6202, TT replaced by CTGTCTCTTATACAC.
Protein change: p.Tyr2068fs; shifts the reading frame from tyrosine 2068.
Molecular consequence: frameshift variant.
Genome position (GRCh38, 1-based): chr2:151,656,446-151,656,447, AA replaced by GTGTATAAGAGACAG on the plus strand (TT replaced by CTGTCTCTTATACAC on the coding strand, the reverse complement: NEB is on the minus strand). VCF-style: chr2-151656446-AA-GTGTATAAGAGACAG. GRCh37 (hg19) VCF-style: chr2-152512960-AA-GTGTATAAGAGACAG.
Other names: c.6201_6202delinsCTGTCTCTTATACAC, p.Tyr2068fs (NM_001164507.2, NM_001271208.2, NM_004543.5); short protein forms Y2068fs.
Identifiers: ClinVar variation 5011422 (VCV005011422.1).
Genomic context (GRCh38, chr2:151,656,446, plus strand): 5'-CTAATTTGGGATCATCCTCGAGACTGCGGAAACCAACCATTTTCCCCTTCCCTTTTTCAT[AA>GTGTATAAGAGACAG]TTGTACTTGTATTTATACTGTGAAGAAAATATGAGTTTTTACACAGAGCAATTCCTTTGA-3'